The following is an entry in ClinVar:

ClinVar aggregate classification (germline): Conflicting classifications of pathogenicity. Review status: criteria provided, conflicting classifications (1 of 4 stars). 11 submissions from 11 submitters: Uncertain significance (1); Benign (1); Likely benign (8). 1 of the submissions does not count toward it. Last evaluated 2026-05-26.

Conditions:
MYH11-related disorder. Also called: MYH11-related condition.
Familial thoracic aortic aneurysm and aortic dissection (TAAD). Also called: Thoracic aortic aneurysms and dissections. Identifiers: Orphanet 91387, MedGen C4707243, MONDO:0019625.
Aortic aneurysm, familial thoracic 4 (AAT4). Also called: AORTIC ANEURYSM/AORTIC DISSECTION AND PATENT DUCTUS ARTERIOSUS. Identifiers: MedGen C1851504, MONDO:0007568, OMIM 132900.

Allele frequency attached by ClinVar (database versions not stated): ExAC 0.00019; gnomAD exomes 0.00021 and 0.00031; gnomAD 0.00029 and 0.00030; TOPMed 0.00029; ESP Exome Variant Server 0.00031; 1000 Genomes Project 0.00040; 1000 Genomes Project 30x 0.00062.
gnomAD v4.1: 519 of 1,614,212 alleles (0.032%); highest among the groups gnomAD compares: East Asian, 0.058%; no homozygotes.

Submissions (11):

Women's Health and Genetics/Laboratory Corporation of America, LabCorp
Classification: Likely benign. Last evaluated: 2026-05-26. Review status: criteria provided, single submitter. Criteria: LabCorp Variant Classification Summary - May 2015. Collection method: clinical testing. Allele origin: germline.
Comment: Variant summary: MYH11 c.1523G>A (p.Arg508His) results in a non-conservative amino acid change located in the Myosin head, motor domain (IPR001609) of the encoded protein sequence. Algorithms developed to predict the effect of missense changes on protein structure and function all suggest that this variant is likely to be disruptive. The variant allele was found at a frequency of 0.00021 in 251476 control chromosomes. The observed variant frequency exceeds the estimated maximal expected allele frequency for disease-causing variants in MYH11. c.1523G>A has been observed in individual(s) affected with MYH11-related conditions. These report(s) do not provide unequivocal conclusions about association of the variant with disease. To our knowledge, no experimental evidence demonstrating an impact on protein function has been reported. The following publications have been ascertained in the context of this evaluation (PMID: 26017485, 28855619, 35372177). ClinVar contains an entry for this variant (Variation ID: 201108). Based on the evidence outlined above, the variant was classified as likely benign.

Labcorp Genetics (formerly Invitae), Labcorp
Classification: Likely benign for Aortic aneurysm, familial thoracic 4. Last evaluated: 2026-01-28. Review status: criteria provided, single submitter. Criteria: Invitae Variant Classification Sherloc (09022015). Collection method: clinical testing. Allele origin: germline.

All of Us Research Program, National Institutes of Health
Classification: Likely benign for Familial thoracic aortic aneurysm and aortic dissection. Last evaluated: 2024-09-26. Review status: criteria provided, single submitter. Criteria: ACMG Guidelines, 2015. Collection method: clinical testing. Allele origin: germline. Inheritance: Autosomal dominant inheritance. Observed: 67 variant alleles, 67 heterozygotes.
Comment: This study involves interpretation of variants in research participants for the purpose of population health screening. Participant phenotype was not available at the time of variant classification. Additional details can be found in publication PMID: 35346344, PMCID: PMC8962531

Blueprint Genetics
Classification: Likely benign. Last evaluated: 2024-08-15. Review status: criteria provided, single submitter. Criteria: ACMG Guidelines, 2015. Collection method: clinical testing. Allele origin: germline.

CHEO Genetics Diagnostic Laboratory, Children's Hospital of Eastern Ontario
Classification: Likely benign for Familial thoracic aortic aneurysm and aortic dissection. Last evaluated: 2023-04-27. Review status: criteria provided, single submitter. Criteria: ACMG Guidelines, 2015. Collection method: clinical testing. Allele origin: germline.

Ambry Genetics
Classification: Likely benign for Familial thoracic aortic aneurysm and aortic dissection. Last evaluated: 2020-07-02. Review status: criteria provided, single submitter. Criteria: Ambry Variant Classification Scheme 2023. Collection method: clinical testing. Allele origin: germline.

Molecular Diagnostic Laboratory for Inherited Cardiovascular Disease, Montreal Heart Institute
Classification: Benign. Last evaluated: 2019-08-30. Review status: criteria provided, single submitter. Criteria: ACMG Guidelines, 2015. Collection method: clinical testing. Allele origin: germline. Affected: yes.

Color Diagnostics, LLC DBA Color Health
Classification: Likely benign for Familial thoracic aortic aneurysm and aortic dissection. Last evaluated: 2019-05-16. Review status: criteria provided, single submitter. Criteria: ACMG Guidelines, 2015. Collection method: clinical testing. Allele origin: germline.
Comment: This missense variant replaces arginine with histidine at codon 508 of the MYH11 protein. Computational prediction tools and conservation analyses suggest that this variant may impact the protein function. Computational splicing tools suggest that this variant may not impact RNA splicing. To our knowledge, functional assays have not been performed for this variant nor has the variant been reported in individuals affected with cardiovascular disorders in the literature. This variant has been identified in 63/282888 chromosomes in the general population by the Genome Aggregation Database (gnomAD) and is fairly common in the East Asian population (22/19954 chromosomes; 0.11%). This variant allele frequency is greater than expected for the MYH11-related disorder based on prevalence, penetrance, and genetic heterogeneity. Based on available evidence, this variant is classified as Likely Benign.

ARUP Laboratories, Molecular Genetics and Genomics, ARUP Laboratories
Classification: Uncertain significance for Aortic aneurysm, familial thoracic 4. Last evaluated: 2018-09-03. Review status: criteria provided, single submitter. Criteria: ARUP Molecular Germline Variant Investigation Process. Collection method: clinical testing. Allele origin: germline.
Comment: The MYH11 c.1502G>A; p.Arg501His variant (rs144244239) is reported in the medical literature in at least two individuals with abdominal aortic aneurysm (Fang 2017, van de Luijtgaarden 2015). The variant is reported as uncertain by one source and likely benign by two sources, but with insufficient evidence to independently analyze (Variation ID: 201108). This variant is found in the general population with an overall allele frequency of 0.02% (59/277254 alleles) in the Genome Aggregation Database. The arginine at codon 501 is highly conserved and computational analyses (SIFT, PolyPhen-2) predict this variant is deleterious. Considering available information, this variant is classified as uncertain. Pathogenic MYH11 variants are inherited in an autosomal dominant manner, and are associated with familial thoracic aortic aneurysm 4 (MIM: 132900). References: Fang M et al. Identification of Novel Clinically Relevant Variants in 70 Southern Chinese patients with Thoracic Aortic Aneurysm and Dissection by Next-generation Sequencing. Sci Rep. 2017 Aug 30;7(1):10035. van de Luijtgaarden et al. First genetic analysis of aneurysm genes in familial and sporadic abdominal aortic aneurysm. Hum Genet. 2015 Aug;134(8):881-93.

GeneDx
Classification: Likely benign. Last evaluated: 2016-10-27. Review status: criteria provided, single submitter. Criteria: GeneDx Variant Classification (06012015). Collection method: clinical testing. Allele origin: germline. Affected: yes.
Comment: This variant is considered likely benign or benign based on one or more of the following criteria: it is a conservative change, it occurs at a poorly conserved position in the protein, it is predicted to be benign by multiple in silico algorithms, and/or has population frequency not consistent with disease.

PreventionGenetics, part of Exact Sciences
Classification: Likely benign for MYH11-related condition. Last evaluated: 2020-01-29. Review status: no assertion criteria provided. Collection method: clinical testing. Allele origin: germline. Not counted in ClinVar's aggregate classification.
Comment: This variant is classified as likely benign based on ACMG/AMP sequence variant interpretation guidelines (Richards et al. 2015 PMID: 25741868, with internal and published modifications).

Literature cited by the submitters: PubMed 26017485 (cited by Women's Health and Genetics/Laboratory Corporation of America, LabCorp and Ambry Genetics); PubMed 28855619 (cited by Women's Health and Genetics/Laboratory Corporation of America, LabCorp and Ambry Genetics); PubMed 35372177 (cited by Women's Health and Genetics/Laboratory Corporation of America, LabCorp); PubMed 29650765 (cited by Ambry Genetics).

NM_002474.3(MYH11):c.1502G>A (p.Arg501His)

Gene: MYH11 (myosin heavy chain 11; minus strand). Cytogenetic location: 16p13.11.
Variant type: single nucleotide variant.
Coding change: c.1502G>A on transcript NM_002474.3 (MANE Select); coding-DNA position 1502, G replaced by A.
Protein change: p.Arg501His; replaces arginine 501 with histidine.
Molecular consequence: missense variant.
Genome position (GRCh38, 1-based): chr16:15,757,900, C>T on the plus strand (G>A on the coding strand, the complement: MYH11 is on the minus strand). VCF-style: chr16-15757900-C-T. GRCh37 (hg19) VCF-style: chr16-15851757-C-T.
Other names: p.R501H:CGC>CAC; c.1523G>A, p.Arg508His (NM_001040113.2, NM_001040114.2); c.1502G>A, p.Arg501His (NM_022844.3); short protein forms R501H, R508H.
Identifiers: ClinVar variation 201108 (VCV000201108.36), dbSNP rs144244239, ClinGen allele CA306665.